The following is an entry in ClinVar:

NM_000059.4(BRCA2):c.8246AGA[1] (p.Lys2750del)

Gene: BRCA2 (BRCA2 DNA repair associated; plus strand). Cytogenetic location: 13q13.1.
Variant type: Microsatellite.
Coding change: c.8246AGA[1] on transcript NM_000059.4 (MANE Select); one copy of the 3-base unit AGA starting at c.8246; the reference has two copies in a row; one copy, 3 bases deleted.
Protein change: p.Lys2750del; deletes lysine 2750.
Molecular consequence: inframe deletion.
Genome position (GRCh38, 1-based): chr13:32,363,451-32,363,453, AGA deleted; deleting any 3 consecutive bases within chr13:32,363,448-32,363,453 gives the same sequence; the position shown is the placement nearest the transcript's 3' end. VCF-style (leftmost placement, unchanged base first): chr13-32363447-CAGA-C. GRCh37 (hg19) VCF-style: chr13-32937584-CAGA-C.
Other names: 8477del3; c.8249_8251delAGA (NM_000059.3); short protein forms K2750del.
Identifiers: ClinVar variation 52537 (VCV000052537.27), dbSNP rs80359703, ClinGen allele CA025539.
Genomic context (GRCh38, chr13:32,363,447, plus strand): 5'-AAGGCCCAGTTAGATCCTCCCCTCTTAGCTGTCTTAAAGAATGGCAGACTGACAGTTGGT[CAGA>C]AGATTATTCTTCATGGAGCAGAACTGGTGGGCTCTCCTGATGCCTGTACACCTCTTGAAG-3'

ClinVar aggregate classification (germline): Uncertain significance. Review status: criteria provided, multiple submitters, no conflicts (2 of 4 stars). 9 submissions from 9 submitters: Uncertain significance (6). 3 of the submissions do not count toward it. Last evaluated 2026-01-24.

Conditions:
Hereditary cancer-predisposing syndrome. Also called: Tumor predisposition; Neoplastic Syndromes, Hereditary; Hereditary neoplastic syndrome; Hereditary Cancer Syndrome. Identifiers: Orphanet 140162, MedGen C0027672, MeSH D009386, MONDO:0015356.
Hereditary breast ovarian cancer syndrome. Also called: Hereditary breast and ovarian cancer; BRCA1- and BRCA2-Associated Hereditary Breast and Ovarian Cancer; Hereditary breast and/or ovarian cancer syndrome; Hereditary breast and ovarian cancer syndrome; Breast and ovarian cancer; Hereditary breast and ovarian cancer syndrome (HBOC). Identifiers: Orphanet 145, MedGen C0677776, MeSH D061325, MONDO:0003582. Disease mechanism: loss of function.
Breast-ovarian cancer, familial, susceptibility to, 2 (BROVCA2). Also called: BRCA2 Hereditary Breast and Ovarian Cancer. Identifiers: Orphanet 145, MedGen C2675520, MONDO:0012933, OMIM 612555. Disease mechanism: loss of function.

Submissions (9):

Labcorp Genetics (formerly Invitae), Labcorp
Classification: Uncertain significance for Hereditary breast ovarian cancer syndrome. Last evaluated: 2026-01-24. Review status: criteria provided, single submitter. Criteria: Invitae Variant Classification Sherloc (09022015). Collection method: clinical testing. Allele origin: germline.
Comment: This variant, c.8249_8251del, results in the deletion of 1 amino acid(s) of the BRCA2 protein (p.Lys2750del), but otherwise preserves the integrity of the reading frame. This variant is present in population databases (rs80359703, gnomAD 0.007%). This variant has been observed in individual(s) with a personal or family history of breast and/or ovarian cancer (PMID: 18092194, 20567915, 28324225, 28807866, 32438681). This variant is also known as 8477delAGA or K2750delAGA. Algorithms developed to predict the effect of variants on gene product structure and function are not available or were not evaluated for this variant. Experimental studies have shown that this variant affects BRCA2 function (PMID: 29988080). In summary, the available evidence is currently insufficient to determine the role of this variant in disease. Therefore, it has been classified as a Variant of Uncertain Significance.

Ambry Genetics
Classification: Uncertain significance for Hereditary cancer-predisposing syndrome. Last evaluated: 2025-05-24. Review status: criteria provided, single submitter. Criteria: Ambry Variant Classification Scheme 2023. Collection method: clinical testing. Allele origin: germline.
Comment: The c.8249_8251delAGA variant (also known as p.K2750del) is located in coding exon 17 of the BRCA2 gene. This variant results from an in-frame AGA deletion at nucleotide positions 8249 to 8251. This results in the in-frame deletion of a lysine at codon 2750. This variant has been detected in individuals with hereditary breast and/or ovarian cancer (Seymour IJ et al. Breast Cancer Res. Treat. 2008 Nov;112(2):343-9; Negura L et al. Fam Cancer, 2010 Dec;9:519-23; Meisel C et al. Arch Gynecol Obstet 2017 May;295(5):1227-1238, Santonocito C et al. Cancers (Basel), 2020 May;12:). This variant was found to be functionally deficient in a BRCA2-null mouse embryonic stem cell complementation assay (Mesman RLS et al. Genet Med, 2019 Feb;21:293-302). This amino acid position is highly conserved in available vertebrate species. In addition, the in silico prediction for this alteration is inconclusive (Choi Y et al. PLoS ONE. 2012; 7(10):e46688). Based on the available evidence, the clinical significance of this variant remains unclear.

German Consortium for Hereditary Breast and Ovarian Cancer, University Hospital Cologne
Classification: Uncertain significance for Hereditary breast ovarian cancer syndrome. Last evaluated: 2024-10-08. Review status: criteria provided, single submitter. Criteria: ClinGen BRCA2 V1.1.0. Collection method: curation. Allele origin: germline.
Comment: According to the ClinGen ENIGMA BRCA2 v1.1.0 criteria we chose this criterion: PS3 (strong pathogenic): Mesman et al 2018. Not able to complement Loss of function construct in Assay

Blueprint Genetics
Classification: Uncertain significance. Last evaluated: 2024-09-09. Review status: criteria provided, single submitter. Criteria: ACMG Guidelines, 2015. Collection method: clinical testing. Allele origin: germline.

GeneDx
Classification: Uncertain significance. Last evaluated: 2020-10-13. Review status: criteria provided, single submitter. Criteria: GeneDx Variant Classification Process June 2021. Collection method: clinical testing. Allele origin: germline. Affected: yes.
Comment: Not observed at a significant frequency in large population cohorts (Lek et al., 2016); Also known as 8477_8479delAGA; Observed in individuals with a personal and/or family history of breast and/or ovarian cancer (Negura 2010, Meisel 2017, Santonocita 2020); Published functional studies are inconclusive: slightly reduced protein expression compared to wildtype and inability to rescue loss of BRCA2-mediated cell lethality (Mesman 2018); This variant is associated with the following publications: (PMID: 20567915, 29988080, 32438681, 28324225, 31209999, 20232139, 19941162)

Women's Health and Genetics/Laboratory Corporation of America, LabCorp
Classification: Uncertain significance. Last evaluated: 2019-06-06. Review status: criteria provided, single submitter. Criteria: LabCorp Variant Classification Summary - May 2015. Collection method: clinical testing. Allele origin: germline.
Comment: Variant summary: BRCA2 c.8249_8251delAGA (p.Lys2750del) results in an in-frame deletion that is predicted to remove one amino acid from the encoded protein. The variant allele was found at a frequency of 3.2e-05 in 31404 control chromosomes. c.8249_8251delAGA has been reported in the literature in individuals affected with Hereditary Breast and Ovarian Cancer (Seymour_2008, Negura_2010). These data indicate that the variant may be associated with disease. At least one publication reports experimental evidence evaluating an impact on protein function and showed p.Lys2750del did not rescue loss-of-Brca2-mediated cell lethality (Mesman_2018). Three clinical diagnostic laboratories have submitted clinical-significance assessments for this variant to ClinVar after 2014 without evidence for independent evaluation. All laboratories classified the variant as uncertain significance. Based on the evidence outlined above, the variant was classified as VUS-possibly pathogenic.

Counsyl
Classification: Uncertain significance for Breast-ovarian cancer, familial, susceptibility to, 2. Last evaluated: 2016-01-27. Review status: no assertion criteria provided. Collection method: clinical testing. Allele origin: unknown. Not counted in ClinVar's aggregate classification.

Sharing Clinical Reports Project (SCRP)
Classification: Uncertain significance for Breast-ovarian cancer, familial 2. Last evaluated: 2012-09-07. Review status: no assertion criteria provided. Collection method: clinical testing. Allele origin: germline. Not counted in ClinVar's aggregate classification.

Breast Cancer Information Core (BIC) (BRCA2)
Classification: Uncertain significance for Breast-ovarian cancer, familial 2. Last evaluated: 2001-10-29. Review status: no assertion criteria provided. Collection method: clinical testing. Allele origin: germline. Affected: yes. Observed: 2 variant alleles. Not counted in ClinVar's aggregate classification.

Literature cited by the submitters: PubMed 18092194 (cited by 3 submitters); PubMed 20567915 (cited by 4 submitters); PubMed 28324225 (cited by Labcorp Genetics (formerly Invitae), Labcorp and Women's Health and Genetics/Laboratory Corporation of America, LabCorp); PubMed 28807866 (cited by Labcorp Genetics (formerly Invitae), Labcorp and Women's Health and Genetics/Laboratory Corporation of America, LabCorp); PubMed 32438681 (cited by Labcorp Genetics (formerly Invitae), Labcorp and Ambry Genetics); PubMed 29988080 (cited by 3 submitters); PubMed 20232139 (cited by Women's Health and Genetics/Laboratory Corporation of America, LabCorp); PubMed 29917049 (cited by Women's Health and Genetics/Laboratory Corporation of America, LabCorp).